The following is an entry in ClinVar:

NM_000548.5(TSC2):c.3901G>A (p.Glu1301Lys)

Gene: TSC2 (TSC complex subunit 2; plus strand). Cytogenetic location: 16p13.3.
Variant type: single nucleotide variant.
Coding change: c.3901G>A on transcript NM_000548.5 (MANE Select); coding-DNA position 3901, G replaced by A.
Protein change: p.Glu1301Lys; replaces glutamic acid 1301 with lysine.
Molecular consequence: missense variant.
Genome position (GRCh38, 1-based): chr16:2,083,712, G>A. VCF-style: chr16-2083712-G-A. GRCh37 (hg19) VCF-style: chr16-2133713-G-A.
Other names: c.3700G>A, p.Glu1234Lys (NM_001077183.3); c.3832G>A, p.Glu1278Lys (NM_001114382.3); c.3592G>A, p.Glu1198Lys (NM_001318827.2); c.3556G>A, p.Glu1186Lys (NM_001318829.2); c.3169G>A, p.Glu1057Lys (NM_001318831.2); c.3733G>A, p.Glu1245Lys (NM_001318832.2); c.3703G>A, p.Glu1235Lys (NM_001363528.2); c.3769G>A, p.Glu1257Lys (NM_001370404.1); and 1 more; short protein forms E1245K, E1057K, E1278K, E1301K, E1186K, E1198K, E1235K, E1234K.
Identifiers: ClinVar variation 1045226 (VCV001045226.8), dbSNP rs2090419072, ClinGen allele CA394296840.
Genomic context (GRCh38, chr16:2,083,712, plus strand): 5'-TGGCCCAGCCCCACATCCAGCAGCCCCGTCTGTGTCCTCCCAGACTCCGCCGTGGTCATG[G>A]AGGAGGGAAGTCCGGGCGAGGTTCCTGTGCTGGTGGAGCCCCCAGGGTTGGAGGACGTTG-3'
Protein context (NP_000539.2, residues 1291-1311): VSWADSAVVM[Glu1301Lys]EGSPGEVPVL

ClinVar aggregate classification (germline): Uncertain significance (1 of 4 stars; one submission).

Conditions:
Tuberous sclerosis 2 (TSC2). Identifiers: Orphanet 805, MedGen C1860707, MONDO:0013199, OMIM 613254.

Submission:

Labcorp Genetics (formerly Invitae), Labcorp
Classification: Uncertain significance for Tuberous sclerosis 2. Last evaluated: 2023-09-10. Review status: criteria provided, single submitter. Criteria: Invitae Variant Classification Sherloc (09022015). Collection method: clinical testing. Allele origin: germline.
Comment: This variant is not present in population databases (gnomAD no frequency). This sequence change replaces glutamic acid, which is acidic and polar, with lysine, which is basic and polar, at codon 1301 of the TSC2 protein (p.Glu1301Lys). This variant has not been reported in the literature in individuals affected with TSC2-related conditions. ClinVar contains an entry for this variant (Variation ID: 1045226). In summary, the available evidence is currently insufficient to determine the role of this variant in disease. Therefore, it has been classified as a Variant of Uncertain Significance. Advanced modeling of protein sequence and biophysical properties (such as structural, functional, and spatial information, amino acid conservation, physicochemical variation, residue mobility, and thermodynamic stability) performed at Invitae indicates that this missense variant is not expected to disrupt TSC2 protein function.